The following is an entry in ClinVar:

NM_006767.4(LZTR1):c.1014del (p.Glu339fs)

Gene: LZTR1 (leucine zipper like post translational regulator 1; plus strand). Cytogenetic location: 22q11.21.
Variant type: Deletion.
Coding change: c.1014del on transcript NM_006767.4 (MANE Select); coding-DNA position 1014, one base deleted (C; older notation c.1014delC).
Protein change: p.Glu339fs; shifts the reading frame from glutamic acid 339.
Molecular consequence: frameshift variant.
Genome position (GRCh38, 1-based): chr22:20,992,234, C deleted; the last of 3 consecutive C bases (chr22:20,992,232-20,992,234); deleting any one gives the same sequence. VCF-style (leftmost placement, unchanged base first): chr22-20992231-GC-G. GRCh37 (hg19) VCF-style: chr22-21346520-GC-G.
Other names: short protein forms E339fs.
Identifiers: ClinVar variation 1458245 (VCV001458245.6), dbSNP rs2147965388, ClinGen allele CA2573157803.

ClinVar aggregate classification (germline): Pathogenic (1 of 4 stars; one submission).

Submission:

Labcorp Genetics (formerly Invitae), Labcorp
Classification: Pathogenic. Last evaluated: 2025-08-11. Review status: criteria provided, single submitter. Criteria: Invitae Variant Classification Sherloc (09022015). Collection method: clinical testing. Allele origin: germline.
Comment: This sequence change creates a premature translational stop signal (p.Glu339Serfs*12) in the LZTR1 gene. It is expected to result in an absent or disrupted protein product. Loss-of-function variants in LZTR1 are known to be pathogenic (PMID: 24362817, 25335493, 25480913, 25795793, 29469822, 30368668, 30442762, 30442766, 30481304, 30859559). This variant is not present in population databases (gnomAD no frequency). This variant has not been reported in the literature in individuals affected with LZTR1-related conditions. ClinVar contains an entry for this variant (Variation ID: 1458245). For these reasons, this variant has been classified as Pathogenic.

Literature cited by the submitters: PubMed 24362817; PubMed 25335493; PubMed 25480913; PubMed 25795793; PubMed 29469822; PubMed 30368668; PubMed 30442762; PubMed 30442766; PubMed 30481304; PubMed 30859559.